The following is an entry in ClinVar:

ClinVar aggregate classification (germline): Conflicting classifications of pathogenicity. Review status: criteria provided, conflicting classifications (1 of 4 stars). 2 submissions from 2 submitters: Uncertain significance (1); Likely benign (1). Last evaluated 2026-06-02.

Conditions:
Renal cell carcinoma. Identifiers: Orphanet 217071, MedGen C0007134, MeSH D002292, MONDO:0005086, HP:0005584.
Hereditary cancer-predisposing syndrome. Also called: Tumor predisposition; Hereditary Cancer Syndrome; Hereditary neoplastic syndrome; Neoplastic Syndromes, Hereditary. Identifiers: Orphanet 140162, MedGen C0027672, MeSH D009386, MONDO:0015356.

Submissions (2):

Ambry Genetics
Classification: Likely benign for Hereditary cancer-predisposing syndrome. Last evaluated: 2026-06-02. Review status: criteria provided, single submitter. Criteria: Ambry Variant Classification Scheme 2023. Collection method: clinical testing. Allele origin: germline.

Labcorp Genetics (formerly Invitae), Labcorp
Classification: Uncertain significance for Renal cell carcinoma. Last evaluated: 2023-09-20. Review status: criteria provided, single submitter. Criteria: Invitae Variant Classification Sherloc (09022015). Collection method: clinical testing. Allele origin: germline.
Comment: This variant has not been reported in the literature in individuals affected with MET-related conditions. ClinVar contains an entry for this variant (Variation ID: 2453420). This variant is not present in population databases (gnomAD no frequency). This sequence change replaces phenylalanine, which is neutral and non-polar, with leucine, which is neutral and non-polar, at codon 1404 of the MET protein (p.Phe1404Leu). In summary, the available evidence is currently insufficient to determine the role of this variant in disease. Therefore, it has been classified as a Variant of Uncertain Significance. Algorithms developed to predict the effect of missense changes on protein structure and function output the following: SIFT: "Not Available"; PolyPhen-2: "Not Available"; Align-GVGD: "Not Available". The leucine amino acid residue is found in multiple mammalian species, which suggests that this missense change does not adversely affect protein function.

NM_000245.4(MET):c.4156T>C (p.Phe1386Leu)

Gene: MET (MET proto-oncogene, receptor tyrosine kinase; plus strand). Cytogenetic location: 7q31.2.
Variant type: single nucleotide variant.
Coding change: c.4156T>C on transcript NM_000245.4 (MANE Select); coding-DNA position 4156, T replaced by C.
Protein change: p.Phe1386Leu; replaces phenylalanine 1386 with leucine.
Molecular consequence: missense variant.
Genome position (GRCh38, 1-based): chr7:116,796,107, T>C. VCF-style: chr7-116796107-T-C. GRCh37 (hg19) VCF-style: chr7-116436161-T-C.
Other names: c.4210T>C, p.Phe1404Leu (NM_001127500.3); c.2866T>C, p.Phe956Leu (NM_001324402.2); short protein forms F1404L, F1386L, F956L.
Identifiers: ClinVar variation 2453420 (VCV002453420.6), dbSNP rs2117114017, ClinGen allele CA369118504.